The following is an entry in ClinVar:

NM_133433.4(NIPBL):c.44G>C (p.Gly15Ala)

Gene: NIPBL (NIPBL cohesin loading factor; plus strand). Cytogenetic location: 5p13.2.
Variant type: single nucleotide variant.
Coding change: c.44G>C on transcript NM_133433.4 (MANE Select); coding-DNA position 44, G replaced by C.
Protein change: p.Gly15Ala; replaces glycine 15 with alanine.
Molecular consequence: missense variant.
Genome position (GRCh38, 1-based): chr5:36,953,740, G>C. VCF-style: chr5-36953740-G-C. GRCh37 (hg19) VCF-style: chr5-36953842-G-C.
Other names: c.44G>C, p.Gly15Ala (NM_001438586.1, NM_015384.5); short protein forms G15A.
Identifiers: ClinVar variation 5018853 (VCV005018853.2).

ClinVar aggregate classification (germline): Uncertain significance (1 of 4 stars; one submission).

Conditions:
Cornelia de Lange syndrome 1 (CDLS1). Also called: TYPUS DEGENERATIVUS AMSTELODAMENSIS; Brachmann de Lange syndrome; NIPBL-Related Cornelia de Lange Syndrome. Identifiers: Orphanet 199, MedGen C4551851, MONDO:0007387, OMIM 122470.

Submission:

Juno Genomics, Hangzhou Juno Genomics, Inc
Classification: Uncertain significance for Cornelia de Lange syndrome 1. Review status: criteria provided, single submitter. Criteria: ACMG Guidelines, 2015. Collection method: clinical testing. Allele origin: germline.
Comment: Absent from controls (or at extremely low frequency if recessive) in Genome Aggregation Database.;Missense variant in a gene that has a low rate of benign missense variation.;Multiple lines of computational evidence support a deleterious effect on the gene or gene product.